The following is an entry in ClinVar:

ClinVar aggregate classification (germline): Uncertain significance. Review status: criteria provided, multiple submitters, no conflicts (2 of 4 stars). 2 submissions from 2 submitters: Uncertain significance (2). Last evaluated 2024-02-12.

Conditions:
Maturity-onset diabetes of the young type 10. Identifiers: Orphanet 552, MedGen C3150617, MONDO:0013240, OMIM 613370.
Hyperproinsulinemia. Identifiers: MedGen C0342283, MONDO:0014535, OMIM 616214.
Diabetes mellitus, permanent neonatal 4. Also called: INS-Related Permanent Neonatal Diabetes Mellitus. Identifiers: MedGen C5394307, MONDO:0030089, OMIM 618858.
Type 1 diabetes mellitus 2. Identifiers: MedGen C1852092, MONDO:0007454, OMIM 125852.

gnomAD v4.1: 14 of 1,612,450 alleles (0.00087%); highest among the groups gnomAD compares: East Asian, 0.0045%; no homozygotes.

Submissions (2):

Fulgent Genetics
Classification: Uncertain significance for Type 1 diabetes mellitus 2; Maturity-onset diabetes of the young type 10; Hyperproinsulinemia; Diabetes mellitus, permanent neonatal 4. Last evaluated: 2024-02-12. Review status: criteria provided, single submitter. Criteria: ACMG Guidelines, 2015. Collection method: clinical testing. Allele origin: germline.

GeneDx
Classification: Uncertain significance. Last evaluated: 2023-11-22. Review status: criteria provided, single submitter. Criteria: GeneDx Variant Classification Process June 2021. Collection method: clinical testing. Allele origin: germline. Affected: yes.
Comment: In silico analysis supports that this missense variant does not alter protein structure/function; Has not been previously published as pathogenic or benign to our knowledge

NM_000207.3(INS):c.35C>T (p.Ala12Val)

Genes: INS (insulin; minus strand), INS-IGF2 (INS-IGF2 readthrough; minus strand). Cytogenetic location: 11p15.5.
Variant type: single nucleotide variant.
Coding change: c.35C>T on transcript NM_000207.3 (MANE Select); coding-DNA position 35, C replaced by T.
Protein change: p.Ala12Val; replaces alanine 12 with valine.
Molecular consequence: missense variant. On other transcripts: non-coding transcript variant (1).
Genome position (GRCh38, 1-based): chr11:2,160,937, G>A on the plus strand (C>T on the coding strand, the complement: INS is on the minus strand). VCF-style: chr11-2160937-G-A. GRCh37 (hg19) VCF-style: chr11-2182167-G-A.
Other names: c.35C>T, p.Ala12Val (NM_001185097.2, NM_001185098.2, NM_001291897.2 and 1 more transcripts); short protein forms A12V.
Identifiers: ClinVar variation 3364832 (VCV003364832.2).
Genomic context (GRCh38, chr11:2,160,937, plus strand): 5'-CCGCACAGGTGTTGGTTCACAAAGGCTGCGGCTGGGTCAGGTCCCCAGAGGGCCAGCAGC[G>A]CCAGCAGGGGCAGGAGGCGCATCCACAGGGCCATGGCAGAAGGACAGTGATCTGGGAGAC-3'
Protein context (NP_000198.1, residues 2-22): ALWMRLLPLL[Ala12Val]LLALWGPDPA